The following is an entry in ClinVar:

NM_007327.4(GRIN1):c.1312G>A (p.Gly438Arg)

Gene: GRIN1 (glutamate ionotropic receptor NMDA type subunit 1; plus strand). Cytogenetic location: 9q34.3.
Variant type: single nucleotide variant.
Coding change: c.1312G>A on transcript NM_007327.4 (MANE Select); coding-DNA position 1312, G replaced by A.
Protein change: p.Gly438Arg; replaces glycine 438 with arginine.
Molecular consequence: missense variant.
Genome position (GRCh38, 1-based): chr9:137,161,170, G>A. VCF-style: chr9-137161170-G-A. GRCh37 (hg19) VCF-style: chr9-140055622-G-A.
Other names: c.1312G>A, p.Gly438Arg (NM_000832.7, NM_021569.4); c.1375G>A, p.Gly459Arg (NM_001185090.2, NM_001185091.2); short protein forms G438R, G459R.
Identifiers: ClinVar variation 3897369 (VCV003897369.1).

ClinVar aggregate classification (germline): Uncertain significance (1 of 4 stars; one submission).

gnomAD v4.1: 2 of 1,611,914 alleles (0.00012%); highest among the groups gnomAD compares: Admixed American, 0.0017%; no homozygotes.

Submission:

GeneDx
Classification: Uncertain significance. Last evaluated: 2024-10-29. Review status: criteria provided, single submitter. Criteria: GeneDx Variant Classification Process June 2021. Collection method: clinical testing. Allele origin: germline. Affected: yes.
Comment: Not observed at significant frequency in large population cohorts (gnomAD); In silico analysis supports that this missense variant has a deleterious effect on protein structure/function; Has not been previously published as pathogenic or benign to our knowledge